The following is an entry in ClinVar:

ClinVar aggregate classification (germline): Uncertain significance (1 of 4 stars; one submission).

Conditions:
Autosomal recessive spastic paraplegia type 78. Identifiers: Orphanet 513436, MedGen C5567893, MONDO:0014975, OMIM 617225.
Kufor-Rakeb syndrome (KRS). Also called: PARKINSON DISEASE 9, AUTOSOMAL RECESSIVE, JUVENILE-ONSET. Identifiers: Orphanet 306674, Orphanet 314632, MedGen C1847640, MONDO:0011706, OMIM 606693.

gnomAD v4.1: 1 of 1,613,990 alleles (0.000062%); highest among the groups gnomAD compares: Non-Finnish European, 0.000085%; no homozygotes.

Submission:

Labcorp Genetics (formerly Invitae), Labcorp
Classification: Uncertain significance for Kufor-Rakeb syndrome; Autosomal recessive spastic paraplegia type 78. Last evaluated: 2022-06-29. Review status: criteria provided, single submitter. Criteria: Invitae Variant Classification Sherloc (09022015). Collection method: clinical testing. Allele origin: germline.
Comment: This sequence change replaces alanine, which is neutral and non-polar, with glycine, which is neutral and non-polar, at codon 778 of the ATP13A2 protein (p.Ala778Gly). This variant is not present in population databases (gnomAD no frequency). This variant has not been reported in the literature in individuals affected with ATP13A2-related conditions. Advanced modeling of protein sequence and biophysical properties (such as structural, functional, and spatial information, amino acid conservation, physicochemical variation, residue mobility, and thermodynamic stability) performed at Invitae indicates that this missense variant is not expected to disrupt ATP13A2 protein function. In summary, the available evidence is currently insufficient to determine the role of this variant in disease. Therefore, it has been classified as a Variant of Uncertain Significance.

NM_022089.4(ATP13A2):c.2333C>G (p.Ala778Gly)

Gene: ATP13A2 (ATPase cation transporting 13A2; minus strand). Cytogenetic location: 1p36.13.
Variant type: single nucleotide variant.
Coding change: c.2333C>G on transcript NM_022089.4 (MANE Select); coding-DNA position 2333, C replaced by G.
Protein change: p.Ala778Gly; replaces alanine 778 with glycine.
Molecular consequence: missense variant.
Genome position (GRCh38, 1-based): chr1:16,990,206, G>C on the plus strand (C>G on the coding strand, the complement: ATP13A2 is on the minus strand). VCF-style: chr1-16990206-G-C. GRCh37 (hg19) VCF-style: chr1-17316701-G-C.
Other names: c.2318C>G, p.Ala773Gly (NM_001141973.3, NM_001141974.3); short protein forms A773G, A778G.
Identifiers: ClinVar variation 1971632 (VCV001971632.5), dbSNP rs777422289, ClinGen allele CA338241180.